The following is an entry in ClinVar:

ClinVar aggregate classification (germline): Uncertain significance (1 of 4 stars; one submission).

Conditions:
Hereditary cancer-predisposing syndrome. Also called: Neoplastic Syndromes, Hereditary; Tumor predisposition; Hereditary neoplastic syndrome; Hereditary Cancer Syndrome. Identifiers: Orphanet 140162, MedGen C0027672, MeSH D009386, MONDO:0015356.
Cardiovascular phenotype. Identifiers: MedGen CN230736.

Submission:

Ambry Genetics
Classification: Uncertain significance for Cardiovascular phenotype; Hereditary cancer-predisposing syndrome. Last evaluated: 2023-04-19. Review status: criteria provided, single submitter. Criteria: Ambry Variant Classification Scheme 2023. Collection method: clinical testing. Allele origin: germline.
Comment: The p.V492G variant (also known as c.1475T>G), located in coding exon 14 of the LZTR1 gene, results from a T to G substitution at nucleotide position 1475. The valine at codon 492 is replaced by glycine, an amino acid with dissimilar properties. This amino acid position is conserved. In addition, this alteration is predicted to be tolerated by in silico analysis. Since supporting evidence is limited at this time, the clinical significance of this alteration remains unclear.

NM_006767.4(LZTR1):c.1475T>G (p.Val492Gly)

Gene: LZTR1 (leucine zipper like post translational regulator 1; plus strand). Cytogenetic location: 22q11.21.
Variant type: single nucleotide variant.
Coding change: c.1475T>G on transcript NM_006767.4 (MANE Select); coding-DNA position 1475, T replaced by G.
Protein change: p.Val492Gly; replaces valine 492 with glycine.
Molecular consequence: missense variant.
Genome position (GRCh38, 1-based): chr22:20,994,129, T>G. VCF-style: chr22-20994129-T-G. GRCh37 (hg19) VCF-style: chr22-21348418-T-G.
Other names: short protein forms V492G.
Identifiers: ClinVar variation 3238084 (VCV003238084.1), dbSNP rs2518620752.